The following is an entry in ClinVar:

ClinVar aggregate classification (germline): Likely pathogenic (1 of 4 stars; one submission).

Conditions:
Familial juvenile hyperuricemic nephropathy type 1 (ADTKD1). Also called: Autosomal Dominant Tubulointerstitial Kidney Disease – UMOD; Glomerulocystic kidney disease with hyperuricemia and isosthenuria; Medullary cystic kidney disease 2; UMOD-Associated Kidney Disease; Uromodulin-associated kidney disease. Identifiers: Orphanet 209886, Orphanet 34149, Orphanet 88950, MedGen C4551496, MONDO:0008073, OMIM 162000.

Submission:

MVZ Medizinische Genetik Mainz
Classification: Likely pathogenic for Familial juvenile hyperuricemic nephropathy type 1. Last evaluated: 2026-06-16. Review status: criteria provided, single submitter. Criteria: UK Practice Guidelines For Variant Classification V4 01 2020. Collection method: clinical testing. Allele origin: germline. Inheritance: Autosomal dominant inheritance. Observed: 1 variant allele.
Comment: ACMG Criteria: PP3_STR,PM5,PM1_SUP,PM2_SUP,PP4

NM_003361.4(UMOD):c.763T>C (p.Cys255Arg)

Gene: UMOD (uromodulin; minus strand). Cytogenetic location: 16p12.3.
Variant type: single nucleotide variant.
Coding change: c.763T>C on transcript NM_003361.4 (MANE Select); coding-DNA position 763, T replaced by C.
Protein change: p.Cys255Arg; replaces cysteine 255 with arginine.
Molecular consequence: missense variant. On other transcripts: non-coding transcript variant (1).
Genome position (GRCh38, 1-based): chr16:20,348,538, A>G on the plus strand (T>C on the coding strand, the complement: UMOD is on the minus strand). VCF-style: chr16-20348538-A-G. GRCh37 (hg19) VCF-style: chr16-20359860-A-G.
Other names: c.763T>C, p.Cys255Arg (NM_001008389.3, NM_001378232.1, NM_001378233.1 and 3 more transcripts); c.862T>C, p.Cys288Arg (NM_001278614.2); short protein forms C255R, C288R.
Identifiers: ClinVar variation 4879862 (VCV004879862.1).
Genomic context (GRCh38, chr16:20,348,538, plus strand): 5'-TGTAGACGTAGTAGCCGCCGGCACAGGCCTTCACCTGGACGGACGCATCCCACAGGCAGC[A>G]GTGGCCGCTCCAGTGCGCGCAGGCCTTGCGGCTCACGATGCCCTCGTCGCTGGACGGATG-3'
Protein context (NP_003352.2, residues 245-265): RKACAHWSGH[Cys255Arg]CLWDASVQVK